The following is an entry in ClinVar:

ClinVar aggregate classification (germline): Uncertain significance (1 of 4 stars; one submission).

Submission:

Labcorp Genetics (formerly Invitae), Labcorp
Classification: Uncertain significance. Last evaluated: 2024-10-11. Review status: criteria provided, single submitter. Criteria: Invitae Variant Classification Sherloc (09022015). Collection method: clinical testing. Allele origin: germline.
Comment: This sequence change replaces glutamine, which is neutral and polar, with histidine, which is basic and polar, at codon 429 of the ERBB2 protein (p.Gln429His). This variant is not present in population databases (gnomAD no frequency). This variant has not been reported in the literature in individuals affected with ERBB2-related conditions. Invitae Evidence Modeling of protein sequence and biophysical properties (such as structural, functional, and spatial information, amino acid conservation, physicochemical variation, residue mobility, and thermodynamic stability) indicates that this missense variant is not expected to disrupt ERBB2 protein function with a negative predictive value of 80%. In summary, the available evidence is currently insufficient to determine the role of this variant in disease. Therefore, it has been classified as a Variant of Uncertain Significance.

NM_004448.4(ERBB2):c.1287A>C (p.Gln429His)

Gene: ERBB2 (erb-b2 receptor tyrosine kinase 2; plus strand). Cytogenetic location: 17q12.
Variant type: single nucleotide variant.
Coding change: c.1287A>C on transcript NM_004448.4 (MANE Select); coding-DNA position 1287, A replaced by C.
Protein change: p.Gln429His; replaces glutamine 429 with histidine.
Molecular consequence: missense variant. On other transcripts: non-coding transcript variant (1), intron variant (1).
Genome position (GRCh38, 1-based): chr17:39,715,510, A>C. VCF-style: chr17-39715510-A-C. GRCh37 (hg19) VCF-style: chr17-37871763-A-C.
Other names: c.1287A>C, p.Gln429His (NM_001382789.1, NM_001382790.1, NM_001382792.1 and 13 more transcripts); c.1278A>C, p.Gln426His (NM_001382791.1); c.1222+151A>C (NM_001382806.1); c.1197A>C, p.Gln399His (NM_001005862.3, NM_001289938.2, NM_001382782.1 and 1 more transcripts); c.1242A>C, p.Gln414His (NM_001289936.2); c.1404A>C, p.Gln468His (NM_001382784.1, NM_001382786.1); c.1362A>C, p.Gln454His (NM_001382787.1); c.1107A>C, p.Gln369His (NM_001382799.1); and 2 more; short protein forms Q153H, Q343H, Q369H, Q399H, Q414H, Q426H, Q429H, Q454H.
Identifiers: ClinVar variation 3614103 (VCV003614103.2).